The following is an entry in ClinVar:

ClinVar aggregate classification (germline): Uncertain significance (1 of 4 stars; one submission).

Conditions:
Hereditary cancer-predisposing syndrome. Also called: Neoplastic Syndromes, Hereditary; Tumor predisposition; Hereditary neoplastic syndrome; Hereditary Cancer Syndrome. Identifiers: Orphanet 140162, MedGen C0027672, MeSH D009386, MONDO:0015356.

Submission:

Ambry Genetics
Classification: Uncertain significance for Hereditary cancer-predisposing syndrome. Last evaluated: 2023-11-23. Review status: criteria provided, single submitter. Criteria: Ambry Variant Classification Scheme 2023. Collection method: clinical testing. Allele origin: germline.
Comment: The p.E609Q variant (also known as c.1825G>C), located in coding exon 12 of the PDGFRA gene, results from a G to C substitution at nucleotide position 1825. The glutamic acid at codon 609 is replaced by glutamine, an amino acid with highly similar properties. This amino acid position is conserved. In addition, this alteration is predicted to be deleterious by in silico analysis. Since supporting evidence is limited at this time, the clinical significance of this alteration remains unclear.

NM_006206.6(PDGFRA):c.1825G>C (p.Glu609Gln)

Gene: PDGFRA (platelet derived growth factor receptor alpha; plus strand). Cytogenetic location: 4q12.
Variant type: single nucleotide variant.
Coding change: c.1825G>C on transcript NM_006206.6 (MANE Select); coding-DNA position 1825, G replaced by C.
Protein change: p.Glu609Gln; replaces glutamic acid 609 with glutamine.
Molecular consequence: missense variant.
Genome position (GRCh38, 1-based): chr4:54,277,426, G>C. VCF-style: chr4-54277426-G-C. GRCh37 (hg19) VCF-style: chr4-55143593-G-C.
Other names: c.1825G>C, p.Glu609Gln (NM_001347827.2, NM_001347829.2); c.1900G>C, p.Glu634Gln (NM_001347828.2); c.1864G>C, p.Glu622Gln (NM_001347830.2); short protein forms E609Q, E622Q, E634Q.
Identifiers: ClinVar variation 3225271 (VCV003225271.1), dbSNP rs2110308706, ClinGen allele CA356893404.